The following is an entry in ClinVar:

ClinVar aggregate classification (germline): Conflicting classifications of pathogenicity. Review status: criteria provided, conflicting classifications (1 of 4 stars). 2 submissions from 2 submitters: Uncertain significance (1); Likely benign (1). Last evaluated 2025-09-22.

Conditions:
Inborn genetic diseases. Identifiers: MedGen C0950123, MeSH D030342.

Allele frequency attached by ClinVar (database versions not stated): gnomAD 0.00060 and 0.00063; 1000 Genomes Project 30x 0.00062; 1000 Genomes Project 0.00080; TOPMed 0.00168.
gnomAD v4.1: 173 of 1,613,940 alleles (0.011%); highest among the groups gnomAD compares: Admixed American, 0.2%; no homozygotes.

Submissions (2):

Labcorp Genetics (formerly Invitae), Labcorp
Classification: Uncertain significance. Last evaluated: 2025-09-22. Review status: criteria provided, single submitter. Criteria: Invitae Variant Classification Sherloc (09022015). Collection method: clinical testing. Allele origin: germline.
Comment: This sequence change replaces arginine, which is basic and polar, with glutamine, which is neutral and polar, at codon 750 of the HR protein (p.Arg750Gln). This variant is present in population databases (rs200306863, gnomAD 0.04%). This variant has not been reported in the literature in individuals affected with HR-related conditions. ClinVar contains an entry for this variant (Variation ID: 1476752). An algorithm developed to predict the effect of missense changes on protein structure and function outputs the following: PolyPhen-2: "Benign". The glutamine amino acid residue is found in multiple mammalian species, which suggests that this missense change does not adversely affect protein function. In summary, the available evidence is currently insufficient to determine the role of this variant in disease. Therefore, it has been classified as a Variant of Uncertain Significance.

Ambry Genetics
Classification: Likely benign for Inborn genetic diseases. Last evaluated: 2022-06-06. Review status: criteria provided, single submitter. Criteria: Ambry Variant Classification Scheme 2023. Collection method: clinical testing. Allele origin: germline.

NM_005144.5(HR):c.2249G>A (p.Arg750Gln)

Gene: HR (HR lysine demethylase and nuclear receptor corepressor; minus strand). Cytogenetic location: 8p21.3.
Variant type: single nucleotide variant.
Coding change: c.2249G>A on transcript NM_005144.5 (MANE Select); coding-DNA position 2249, G replaced by A.
Protein change: p.Arg750Gln; replaces arginine 750 with glutamine.
Molecular consequence: missense variant.
Genome position (GRCh38, 1-based): chr8:22,121,183, C>T on the plus strand (G>A on the coding strand, the complement: HR is on the minus strand). VCF-style: chr8-22121183-C-T. GRCh37 (hg19) VCF-style: chr8-21978696-C-T.
Other names: c.2249G>A, p.Arg750Gln (NM_018411.4); c.2249G>A (NM_005144.4); short protein forms R750Q.
Identifiers: ClinVar variation 1476752 (VCV001476752.7), dbSNP rs200306863, ClinGen allele CA4662163.